The following is an entry in ClinVar:

NM_001845.6(COL4A1):c.616-10T>C

Gene: COL4A1 (collagen type IV alpha 1 chain; minus strand). Cytogenetic location: 13q34.
Variant type: single nucleotide variant.
Coding change: c.616-10T>C on transcript NM_001845.6 (MANE Select); 10 bases into the intron before coding-DNA position 616, T replaced by C.
Molecular consequence: intron variant.
Genome position (GRCh38, 1-based): chr13:110,209,437, A>G on the plus strand (T>C on the coding strand, the complement: COL4A1 is on the minus strand). VCF-style: chr13-110209437-A-G. GRCh37 (hg19) VCF-style: chr13-110861784-A-G.
Other names: c.616-10T>C (NM_001303110.2).
Identifiers: ClinVar variation 3706952 (VCV003706952.3).

ClinVar aggregate classification (germline): Conflicting classifications of pathogenicity. Review status: criteria provided, conflicting classifications (1 of 4 stars). 2 submissions from 2 submitters: Uncertain significance (1); Likely benign (1). Last evaluated 2024-08-08.

gnomAD v4.1: 30 of 1,595,176 alleles (0.0019%); highest among the groups gnomAD compares: Non-Finnish European, 0.0026%; no homozygotes.

Submissions (2):

Labcorp Genetics (formerly Invitae), Labcorp
Classification: Uncertain significance. Last evaluated: 2024-08-08. Review status: criteria provided, single submitter. Criteria: Invitae Variant Classification Sherloc (09022015). Collection method: clinical testing. Allele origin: germline.
Comment: This sequence change falls in intron 10 of the COL4A1 gene. It does not directly change the encoded amino acid sequence of the COL4A1 protein. This variant is not present in population databases (gnomAD no frequency). This variant has not been reported in the literature in individuals affected with COL4A1-related conditions. Algorithms developed to predict the effect of sequence changes on RNA splicing suggest that this variant may disrupt the consensus splice site. In summary, the available evidence is currently insufficient to determine the role of this variant in disease. Therefore, it has been classified as a Variant of Uncertain Significance.

Blueprint Genetics
Classification: Likely benign. Last evaluated: 2022-07-13. Review status: criteria provided, single submitter. Criteria: ACMG Guidelines, 2015. Collection method: clinical testing. Allele origin: germline.